The following is an entry in ClinVar:

NM_001369268.1(ACAN):c.1897C>T (p.Arg633Cys)

Gene: ACAN (aggrecan; plus strand). Cytogenetic location: 15q26.1.
Variant type: single nucleotide variant.
Coding change: c.1897C>T on transcript NM_001369268.1 (MANE Select); coding-DNA position 1897, C replaced by T.
Protein change: p.Arg633Cys; replaces arginine 633 with cysteine.
Molecular consequence: missense variant.
Genome position (GRCh38, 1-based): chr15:88,849,602, C>T. VCF-style: chr15-88849602-C-T. GRCh37 (hg19) VCF-style: chr15-89392833-C-T.
Other names: c.1897C>T, p.Arg633Cys (NM_001135.4, NM_001411096.1, NM_001411097.1 and 1 more transcripts); short protein forms R633C.
Identifiers: ClinVar variation 3636942 (VCV003636942.2).

ClinVar aggregate classification (germline): Uncertain significance (1 of 4 stars; one submission).

Submission:

Labcorp Genetics (formerly Invitae), Labcorp
Classification: Uncertain significance. Last evaluated: 2024-05-26. Review status: criteria provided, single submitter. Criteria: Invitae Variant Classification Sherloc (09022015). Collection method: clinical testing. Allele origin: germline.
Comment: This sequence change replaces arginine, which is basic and polar, with cysteine, which is neutral and slightly polar, at codon 633 of the ACAN protein (p.Arg633Cys). This variant is present in population databases (rs758471993, gnomAD 0.005%). This variant has not been reported in the literature in individuals affected with ACAN-related conditions. Advanced modeling of protein sequence and biophysical properties (such as structural, functional, and spatial information, amino acid conservation, physicochemical variation, residue mobility, and thermodynamic stability) performed at Invitae indicates that this missense variant is not expected to disrupt ACAN protein function with a negative predictive value of 80%. In summary, the available evidence is currently insufficient to determine the role of this variant in disease. Therefore, it has been classified as a Variant of Uncertain Significance.